The following is an entry in ClinVar:

NM_001854.4(COL11A1):c.2864G>C (p.Gly955Ala)

Gene: COL11A1 (collagen type XI alpha 1 chain; minus strand). Cytogenetic location: 1p21.1.
Variant type: single nucleotide variant.
Coding change: c.2864G>C on transcript NM_001854.4 (MANE Select); coding-DNA position 2864, G replaced by C.
Protein change: p.Gly955Ala; replaces glycine 955 with alanine.
Molecular consequence: missense variant. On other transcripts: non-coding transcript variant (1).
Genome position (GRCh38, 1-based): chr1:102,965,539, C>G on the plus strand (G>C on the coding strand, the complement: COL11A1 is on the minus strand). VCF-style: chr1-102965539-C-G. GRCh37 (hg19) VCF-style: chr1-103431095-C-G.
Other names: c.2516G>C, p.Gly839Ala (NM_001168249.1, NM_080630.4); c.2747G>C, p.Gly916Ala (NM_001190709.2); c.2900G>C, p.Gly967Ala (NM_080629.3); short protein forms G839A, G916A, G955A, G967A.
Identifiers: ClinVar variation 2627241 (VCV002627241.1), dbSNP rs2524963826, ClinGen allele CA341160133.

ClinVar aggregate classification (germline): Uncertain significance (1 of 4 stars; one submission).

Submission:

Women's Health and Genetics/Laboratory Corporation of America, LabCorp
Classification: Uncertain significance. Last evaluated: 2023-09-15. Review status: criteria provided, single submitter. Criteria: LabCorp Variant Classification Summary - May 2015. Collection method: clinical testing. Allele origin: germline.
Comment: Variant summary: COL11A1 c.2864G>C (p.Gly955Ala) results in a non-conservative amino acid change in the encoded protein sequence. Five of five in-silico tools predict a damaging effect of the variant on protein function. Consensus agreement among computation tools predict no significant impact on normal splicing. However, these predictions have yet to be confirmed by functional studies. The variant was absent in 251356 control chromosomes (gnomAD). The available data on variant occurrences in the general population are insufficient to allow any conclusion about variant significance. To our knowledge, no occurrence of c.2864G>C in individuals affected with Stickler Syndrome and no experimental evidence demonstrating its impact on protein function have been reported. No submitters have cited clinical-significance assessments for this variant to ClinVar after 2014. Based on the evidence outlined above, the variant was classified as uncertain significance.